The following is an entry in ClinVar:

ClinVar aggregate classification (germline): Conflicting classifications of pathogenicity. Review status: criteria provided, conflicting classifications (1 of 4 stars). 9 submissions from 7 submitters: Uncertain significance (2); Benign (1); Likely benign (6). Last evaluated 2025-12-28.

Conditions:
MYO7A-related disorder. Also called: MYO7A-related disorders.
Autosomal dominant nonsyndromic hearing loss 11. Identifiers: Orphanet 90635, MedGen C1832475, MONDO:0011032, OMIM 601317.
Autosomal recessive nonsyndromic hearing loss 2. Also called: NEUROSENSORY NONSYNDROMIC RECESSIVE DEAFNESS 2; DEAFNESS, AUTOSOMAL RECESSIVE 2. Identifiers: Orphanet 90636, MedGen C1838701, MONDO:0010807, OMIM 600060.
Usher syndrome type 1 (USH1). Also called: RETINITIS PIGMENTOSA AND CONGENITAL DEAFNESS. Identifiers: Orphanet 231169, Orphanet 886, MedGen C1568247, MONDO:0010168, OMIM 276900.

Allele frequency attached by ClinVar (database versions not stated): ESP Exome Variant Server 0.00016; gnomAD exomes 0.00024 and 0.00036; gnomAD 0.00028 and 0.00030; ExAC 0.00032; TOPMed 0.00034.
gnomAD v4.1: 407 of 1,613,202 alleles (0.025%); highest among the groups gnomAD compares: Middle Eastern, 0.049%; 1 homozygote.

Submissions (9):

Labcorp Genetics (formerly Invitae), Labcorp
Classification: Benign. Last evaluated: 2025-12-28. Review status: criteria provided, single submitter. Criteria: Invitae Variant Classification Sherloc (09022015). Collection method: clinical testing. Allele origin: germline.

PreventionGenetics, part of Exact Sciences
Classification: Likely benign for MYO7A-related condition. Last evaluated: 2025-02-06. Review status: criteria provided, single submitter. Criteria: ACMG Guidelines, 2015. Collection method: clinical testing. Allele origin: germline.
Comment: This variant is classified as likely benign based on ACMG/AMP sequence variant interpretation guidelines (Richards et al. 2015 PMID: 25741868, with internal and published modifications).

Blueprint Genetics
Classification: Likely benign. Last evaluated: 2024-10-17. Review status: criteria provided, single submitter. Criteria: ACMG Guidelines, 2015. Collection method: clinical testing. Allele origin: germline.

CeGaT Center for Human Genetics Tuebingen
Classification: Likely benign. Last evaluated: 2024-01-01. Review status: criteria provided, single submitter. Criteria: CeGaT Center For Human Genetics Tuebingen Variant Classification Criteria Version 2. Collection method: clinical testing. Allele origin: germline. Affected: yes. Observed: 1 variant allele.
Comment: MYO7A: BP4, BP7

GeneDx
Classification: Likely benign. Last evaluated: 2020-10-28. Review status: criteria provided, single submitter. Criteria: GeneDx Variant Classification Process June 2021. Collection method: clinical testing. Allele origin: germline. Affected: yes.

Illumina Laboratory Services, Illumina
Classification: Likely benign for Autosomal dominant nonsyndromic hearing loss 11. Last evaluated: 2018-01-12. Review status: criteria provided, single submitter. Criteria: ICSL Variant Classification Criteria 13 December 2019. Collection method: clinical testing. Allele origin: germline.
Comment: This variant was observed in the ICSL laboratory as part of a predisposition screen in an ostensibly healthy population. It had not been previously curated by ICSL or reported in the Human Gene Mutation Database (HGMD: prior to June 1st, 2018), and was therefore a candidate for classification through an automated scoring system. Utilizing variant allele frequency, disease prevalence and penetrance estimates, and inheritance mode, an automated score was calculated to assess if this variant is too frequent to cause the disease. Based on the score and internal cut-off values, a variant classified as likely benign is not then subjected to further curation. The score for this variant resulted in a classification of likely benign for this disease.

Illumina Laboratory Services, Illumina
Classification: Uncertain significance for Autosomal recessive nonsyndromic hearing loss 2. Last evaluated: 2018-01-12. Review status: criteria provided, single submitter. Criteria: ICSL Variant Classification Criteria 13 December 2019. Collection method: clinical testing. Allele origin: germline.

Illumina Laboratory Services, Illumina
Classification: Uncertain significance for Usher syndrome type 1. Last evaluated: 2018-01-12. Review status: criteria provided, single submitter. Criteria: ICSL Variant Classification Criteria 13 December 2019. Collection method: clinical testing. Allele origin: germline.

Laboratory for Molecular Medicine, Mass General Brigham Personalized Medicine
Classification: Likely benign. Last evaluated: 2016-04-05. Review status: criteria provided, single submitter. Criteria: LMM Criteria. Collection method: clinical testing. Allele origin: germline. Observed: 1 variant allele.
Comment: p.Phe727Phe in Exon 18 of MYO7A: This variant is not expected to have clinical s ignificance because it does not alter an amino acid residue and is not located w ithin the splice consensus sequence. It has been identified in 36/66208 European chromosomes by the Exome Aggregation Consortium (ExAC).

NM_000260.4(MYO7A):c.2181T>C (p.Phe727=)

Gene: MYO7A (myosin VIIA; plus strand). Cytogenetic location: 11q13.5.
Variant type: single nucleotide variant.
Coding change: c.2181T>C on transcript NM_000260.4 (MANE Select); coding-DNA position 2181, T replaced by C.
Protein change: p.Phe727=; no amino-acid change (phenylalanine 727 retained).
Molecular consequence: synonymous variant.
Genome position (GRCh38, 1-based): chr11:77,175,458, T>C. VCF-style: chr11-77175458-T-C. GRCh37 (hg19) VCF-style: chr11-76886504-T-C.
Other names: c.2181T>C, p.Phe727= (NM_001127180.2); c.2148T>C, p.Phe716= (NM_001369365.1).
Identifiers: ClinVar variation 227679 (VCV000227679.44), dbSNP rs373656667, ClinGen allele CA6197731.
Genomic context (GRCh38, chr11:77,175,458, plus strand): 5'-CATGGCTGAGGCTGTGCTGGGCACCCACGATGACTGGCAGATAGGCAAAACCAAGATCTT[T>C]CTGAAGGTGAGCACAGATGCCTTCCCTGGGCTGCCCTGGGGGGGCTGTAAATTCCCATGA-3'
Protein context (NP_000251.3, residues 717-737): DDWQIGKTKI[Phe727=]LKDHHDMLLE